The following is an entry in ClinVar:

NM_001130987.2(DYSF):c.5704G>A (p.Gly1902Ser)

Gene: DYSF (dysferlin; plus strand). Cytogenetic location: 2p13.2.
Variant type: single nucleotide variant.
Coding change: c.5704G>A on transcript NM_001130987.2 (MANE Select); coding-DNA position 5704, G replaced by A.
Protein change: p.Gly1902Ser; replaces glycine 1902 with serine.
Molecular consequence: missense variant.
Genome position (GRCh38, 1-based): chr2:71,669,666, G>A. VCF-style: chr2-71669666-G-A. GRCh37 (hg19) VCF-style: chr2-71896796-G-A.
Other names: c.5590G>A, p.Gly1864Ser (NM_001130455.2); c.5545G>A, p.Gly1849Ser (NM_001130976.2); c.5608G>A, p.Gly1870Ser (NM_001130977.2); c.5650G>A, p.Gly1884Ser (NM_001130978.2); c.5680G>A, p.Gly1894Ser (NM_001130979.2); c.5638G>A, p.Gly1880Ser (NM_001130980.2); c.5701G>A, p.Gly1901Ser (NM_001130981.2); c.5683G>A, p.Gly1895Ser (NM_001130982.2); and 5 more; short protein forms G1863S, G1902S, G1901S, G1850S, G1881S, G1885S, G1849S, G1870S.
Identifiers: ClinVar variation 289789 (VCV000289789.14), dbSNP rs886044266, ClinGen allele CA10606551.

ClinVar aggregate classification (germline): Uncertain significance. Review status: criteria provided, multiple submitters, no conflicts (2 of 4 stars). 4 submissions from 4 submitters: Uncertain significance (3). 1 of the submissions does not count toward it. Last evaluated 2022-10-01.

Conditions:
Neuromuscular disease caused by qualitative or quantitative defects of dysferlin. Also called: Qualitative or quantitative defects of dysferlin; Dysferlinopathy. Identifiers: Orphanet 207073, MedGen C2931687, MONDO:0016145.
Autosomal recessive limb-girdle muscular dystrophy type 2B (LGMDR2). Also called: MUSCULAR DYSTROPHY, LIMB-GIRDLE, TYPE 3; Limb-girdle muscular dystrophy, type 2B; Limb-Girdle Muscular Dystrophy Type 2B (LGMD2B); MUSCULAR DYSTROPHY, LIMB-GIRDLE, AUTOSOMAL RECESSIVE 2. Identifiers: Orphanet 268, MedGen C1850889, MONDO:0009676, OMIM 253601.

Allele frequency attached by ClinVar (database versions not stated): gnomAD exomes below 0.00001; TOPMed below 0.00001; gnomAD 0.00001.
gnomAD v4.1: 3 of 1,614,090 alleles (0.00019%); highest among the groups gnomAD compares: Admixed American, 0.0033%; no homozygotes.

Submissions (4):

Labcorp Genetics (formerly Invitae), Labcorp
Classification: Uncertain significance for Neuromuscular disease caused by qualitative or quantitative defects of dysferlin. Last evaluated: 2022-10-01. Review status: criteria provided, single submitter. Criteria: Invitae Variant Classification Sherloc (09022015). Collection method: clinical testing. Allele origin: germline.
Comment: In summary, the available evidence is currently insufficient to determine the role of this variant in disease. Therefore, it has been classified as a Variant of Uncertain Significance. Algorithms developed to predict the effect of sequence changes on RNA splicing suggest that this variant may create or strengthen a splice site. Advanced modeling of protein sequence and biophysical properties (such as structural, functional, and spatial information, amino acid conservation, physicochemical variation, residue mobility, and thermodynamic stability) performed at Invitae indicates that this missense variant is expected to disrupt DYSF protein function. ClinVar contains an entry for this variant (Variation ID: 289789). This missense change has been observed in individual(s) with Limb-Girdle Muscular Dystrophy (PMID: 30564623). This variant is present in population databases (no rsID available, gnomAD 0.003%). This sequence change replaces glycine, which is neutral and non-polar, with serine, which is neutral and polar, at codon 1863 of the DYSF protein (p.Gly1863Ser).

Revvity Omics, Revvity
Classification: Uncertain significance. Last evaluated: 2019-04-03. Review status: criteria provided, single submitter. Criteria: ACMG Guidelines, 2015. Collection method: clinical testing. Allele origin: germline.

Eurofins Ntd Llc (ga)
Classification: Uncertain significance. Last evaluated: 2016-07-22. Review status: criteria provided, single submitter. Criteria: EGL Classification Definitions 2015. Collection method: clinical testing. Allele origin: germline. Observed: 1 variant allele, 1 heterozygote.

Natera, Inc.
Classification: Uncertain significance for Limb-girdle muscular dystrophy type 2B. Last evaluated: 2020-08-10. Review status: no assertion criteria provided. Collection method: clinical testing. Allele origin: germline. Not counted in ClinVar's aggregate classification.

Literature cited by the submitters: PubMed 30564623 (cited by Labcorp Genetics (formerly Invitae), Labcorp).